The following is an entry in ClinVar:

NM_001319074.4(RAX2):c.403C>A (p.Leu135Ile)

Gene: RAX2 (retina and anterior neural fold homeobox 2; minus strand). Cytogenetic location: 19p13.3.
Variant type: single nucleotide variant.
Coding change: c.403C>A on transcript NM_001319074.4 (MANE Select); coding-DNA position 403, C replaced by A.
Protein change: p.Leu135Ile; replaces leucine 135 with isoleucine.
Molecular consequence: missense variant.
Genome position (GRCh38, 1-based): chr19:3,770,773, G>T on the plus strand (C>A on the coding strand, the complement: RAX2 is on the minus strand). VCF-style: chr19-3770773-G-T. GRCh37 (hg19) VCF-style: chr19-3770771-G-T.
Other names: c.403C>A, p.Leu135Ile (NM_032753.4); short protein forms L135I.
Identifiers: ClinVar variation 2799519 (VCV002799519.3), dbSNP rs1305878885, ClinGen allele CA403374539.

ClinVar aggregate classification (germline): Uncertain significance (1 of 4 stars; one submission).

gnomAD v4.1: 2 of 1,527,030 alleles (0.00013%); highest among the groups gnomAD compares: Non-Finnish European, 0.00017%; no homozygotes.

Submission:

Labcorp Genetics (formerly Invitae), Labcorp
Classification: Uncertain significance. Last evaluated: 2023-08-10. Review status: criteria provided, single submitter. Criteria: Invitae Variant Classification Sherloc (09022015). Collection method: clinical testing. Allele origin: germline.
Comment: This variant is not present in population databases (gnomAD no frequency). In summary, the available evidence is currently insufficient to determine the role of this variant in disease. Therefore, it has been classified as a Variant of Uncertain Significance. An algorithm developed to predict the effect of missense changes on protein structure and function (PolyPhen-2) suggests that this variant is likely to be disruptive. This variant has not been reported in the literature in individuals affected with RAX2-related conditions. This sequence change replaces leucine, which is neutral and non-polar, with isoleucine, which is neutral and non-polar, at codon 135 of the RAX2 protein (p.Leu135Ile).